The following is an entry in ClinVar:

ClinVar aggregate classification (germline): Likely benign. Review status: criteria provided, multiple submitters, no conflicts (2 of 4 stars). 6 submissions from 6 submitters: Likely benign (5). 1 of the submissions does not count toward it. Last evaluated 2026-01-26.

Conditions:
ZNF469-related disorder. Also called: ZNF469-related condition.
Cardiovascular phenotype. Identifiers: MedGen CN230736.
Brittle cornea syndrome 1 (BCS1). Also called: Corneal fragility keratoglobus, blue sclerae AND joint hypermobility; FRAGILITAS OCULI WITH JOINT HYPEREXTENSIBILITY; DYSGENESIS MESODERMALIS CORNEAE ET SCLERAE; CORNEAL FRAGILITY, KERATOGLOBUS, BLUE SCLERAE, JOINT HYPEREXTENSIBILITY; EDS6B. Identifiers: Orphanet 90354, MedGen C0268344, MONDO:0024543, OMIM 229200.

Allele frequency attached by ClinVar (database versions not stated): 1000 Genomes Project 30x 0.00047.
gnomAD v4.1: 265 of 1,549,994 alleles (0.017%); highest among the groups gnomAD compares: East Asian, 0.6%; 3 homozygotes.

Submissions (6):

Labcorp Genetics (formerly Invitae), Labcorp
Classification: Likely benign. Last evaluated: 2026-01-26. Review status: criteria provided, single submitter. Criteria: Invitae Variant Classification Sherloc (09022015). Collection method: clinical testing. Allele origin: germline.

Blueprint Genetics
Classification: Likely benign. Last evaluated: 2022-09-09. Review status: criteria provided, single submitter. Criteria: ACMG Guidelines, 2015. Collection method: clinical testing. Allele origin: germline.

Center for Genomics, Ann and Robert H. Lurie Children's Hospital of Chicago
Classification: Likely benign for Brittle cornea syndrome 1. Last evaluated: 2022-02-04. Review status: criteria provided, single submitter. Criteria: ACMG Guidelines, 2015. Collection method: clinical testing. Allele origin: germline.
Comment: This variant has not been reported in the literature but is present in 0.007% (9/12236) of East Asian alleles in the Genome Aggregation Database, and is present in ClinVar (Variation ID:1200235). Of note, this variant is a silent variant and does not change the amino acid, reducing the probability that this variant is disease causing. Additionally, splice prediction tools suggest that this variant does not impact splicing. In summary, data on this variant suggests that this variant does not cause disease but requires further evidence. Therefore, this variant is classified as likely benign.

GeneDx
Classification: Likely benign. Last evaluated: 2020-12-10. Review status: criteria provided, single submitter. Criteria: GeneDx Variant Classification Process June 2021. Collection method: clinical testing. Allele origin: germline. Affected: yes.

Ambry Genetics
Classification: Likely benign for Cardiovascular phenotype. Last evaluated: 2019-07-04. Review status: criteria provided, single submitter. Criteria: Ambry Variant Classification Scheme 2023. Collection method: clinical testing. Allele origin: germline.

PreventionGenetics, part of Exact Sciences
Classification: Likely benign for ZNF469-related condition. Last evaluated: 2024-06-07. Review status: no assertion criteria provided. Collection method: clinical testing. Allele origin: germline. Not counted in ClinVar's aggregate classification.
Comment: This variant is classified as likely benign based on ACMG/AMP sequence variant interpretation guidelines (Richards et al. 2015 PMID: 25741868, with internal and published modifications).

NM_001367624.2(ZNF469):c.11262C>T (p.Ser3754=)

Gene: ZNF469 (zinc finger protein 469; plus strand). Cytogenetic location: 16q24.2.
Variant type: single nucleotide variant.
Coding change: c.11262C>T on transcript NM_001367624.2 (MANE Select); coding-DNA position 11262, C replaced by T.
Protein change: p.Ser3754=; no amino-acid change (serine 3754 retained).
Molecular consequence: synonymous variant.
Genome position (GRCh38, 1-based): chr16:88,438,732, C>T. VCF-style: chr16-88438732-C-T. GRCh37 (hg19) VCF-style: chr16-88505140-C-T.
Other names: NM_001127464.1:c.11178C>T; NM_001127464.2:c.11178C>T.
Identifiers: ClinVar variation 1200235 (VCV001200235.13), dbSNP rs769834740, ClinGen allele CA286387778.